The following is an entry in ClinVar:

NM_001242896.3(DEPDC5):c.3416G>C (p.Ser1139Thr)

Gene: DEPDC5 (DEP domain containing 5, GATOR1 subcomplex subunit; plus strand). Cytogenetic location: 22q12.3.
Variant type: single nucleotide variant.
Coding change: c.3416G>C on transcript NM_001242896.3 (MANE Select); coding-DNA position 3416, G replaced by C.
Protein change: p.Ser1139Thr; replaces serine 1139 with threonine.
Molecular consequence: missense variant. On other transcripts: non-coding transcript variant (5).
Genome position (GRCh38, 1-based): chr22:31,870,675, G>C. VCF-style: chr22-31870675-G-C. GRCh37 (hg19) VCF-style: chr22-32266661-G-C.
Other names: c.3389G>C, p.Ser1130Thr (NM_001136029.4); c.3116G>C, p.Ser1039Thr (NM_001242897.2); c.3350G>C, p.Ser1117Thr (NM_001363852.2, NM_001364320.2); c.3182G>C, p.Ser1061Thr (NM_001363854.2, NM_001364319.2); c.3416G>C, p.Ser1139Thr (NM_001364318.2); c.3332G>C, p.Ser1111Thr (NM_001369901.1, NM_001369902.1); c.3323G>C, p.Ser1108Thr (NM_001369903.1, NM_014662.6); short protein forms S1130T, S1108T, S1111T, S1139T, S1039T, S1061T, S1117T.
Identifiers: ClinVar variation 963771 (VCV000963771.8), dbSNP rs2092816043, ClinGen allele CA411296695.
Genomic context (GRCh38, chr22:31,870,675, plus strand): 5'-CTATGTTGGACGGCACCAGTTTGGGCATATGCACAGGCCAATCCATGGACAGAGGCAACA[G>C]CCAGACCTTTGGGAACTCCCAGAACATAGGAGAACAGGGCTACTCCTCCACAAACTCCAG-3'
Protein context (NP_001229825.1, residues 1129-1149): CTGQSMDRGN[Ser1139Thr]QTFGNSQNIG

ClinVar aggregate classification (germline): Uncertain significance (1 of 4 stars; one submission).

Conditions:
Familial focal epilepsy with variable foci (FPEVF). Identifiers: Orphanet 98820, MedGen C1858477, MONDO:0020310.

Submission:

Labcorp Genetics (formerly Invitae), Labcorp
Classification: Uncertain significance for Familial focal epilepsy with variable foci. Last evaluated: 2023-10-13. Review status: criteria provided, single submitter. Criteria: Invitae Variant Classification Sherloc (09022015). Collection method: clinical testing. Allele origin: germline.
Comment: This sequence change replaces serine, which is neutral and polar, with threonine, which is neutral and polar, at codon 1139 of the DEPDC5 protein (p.Ser1139Thr). This variant is not present in population databases (gnomAD no frequency). This variant has not been reported in the literature in individuals affected with DEPDC5-related conditions. ClinVar contains an entry for this variant (Variation ID: 963771). Algorithms developed to predict the effect of missense changes on protein structure and function output the following: SIFT: "Not Available"; PolyPhen-2: "Not Available"; Align-GVGD: "Not Available". The threonine amino acid residue is found in multiple mammalian species, which suggests that this missense change does not adversely affect protein function. In summary, the available evidence is currently insufficient to determine the role of this variant in disease. Therefore, it has been classified as a Variant of Uncertain Significance.